The following is an entry in ClinVar:

NM_032217.5(ANKRD17):c.1441G>A (p.Glu481Lys)

Gene: ANKRD17 (ankyrin repeat domain 17; minus strand). Cytogenetic location: 4q13.3.
Variant type: single nucleotide variant.
Coding change: c.1441G>A on transcript NM_032217.5 (MANE Select); coding-DNA position 1441, G replaced by A.
Protein change: p.Glu481Lys; replaces glutamic acid 481 with lysine.
Molecular consequence: missense variant.
Genome position (GRCh38, 1-based): chr4:73,148,939, C>T on the plus strand (G>A on the coding strand, the complement: ANKRD17 is on the minus strand). VCF-style: chr4-73148939-C-T. GRCh37 (hg19) VCF-style: chr4-74014656-C-T.
Other names: c.1102G>A, p.Glu368Lys (NM_001286771.3); c.1441G>A, p.Glu481Lys (NM_015574.2, NM_198889.3); short protein forms E368K, E481K.
Identifiers: ClinVar variation 5020591 (VCV005020591.1).
Genomic context (GRCh38, chr4:73,148,939, plus strand): 5'-AACCTTCATCATTGACCTCTTCCAGGCTAGCTCCTCTTTCAATAAGTAAAGCCGCAAGTT[C>T]CACATGCCCACCACATGCAGCCAAAGTTAATGGTGACTCAAATGAATCAGCAGGCATGTT-3'
Protein context (NP_115593.3, residues 471-491): LTLAACGGHV[Glu481Lys]LAALLIERGA

ClinVar aggregate classification (germline): Uncertain significance (1 of 4 stars; one submission).

Submission:

Dasa
Classification: Uncertain significance. Last evaluated: 2026-05-08. Review status: criteria provided, single submitter. Criteria: DASA Assertion Criteria. Collection method: clinical testing. Allele origin: germline.
Comment: NM_032217.5(ANKRD17):c.1441G>A (p.Glu481Lys) is a missense variant that results in the substitution of glutamic acid with lysine. This variant is rare in population databases. The currently available literature and clinical evidence are not sufficient to establish a definitive association between this variant and the reported condition. Therefore, this variant is classified as a variant of uncertain significance.